The following is an entry in ClinVar:

NM_006206.6(PDGFRA):c.1297G>A (p.Val433Met)

Gene: PDGFRA (platelet derived growth factor receptor alpha; plus strand). Cytogenetic location: 4q12.
Variant type: single nucleotide variant.
Coding change: c.1297G>A on transcript NM_006206.6 (MANE Select); coding-DNA position 1297, G replaced by A.
Protein change: p.Val433Met; replaces valine 433 with methionine.
Molecular consequence: missense variant.
Genome position (GRCh38, 1-based): chr4:54,272,453, G>A. VCF-style: chr4-54272453-G-A. GRCh37 (hg19) VCF-style: chr4-55138620-G-A.
Other names: c.1297G>A, p.Val433Met (NM_001347827.2, NM_001347829.2); c.1372G>A, p.Val458Met (NM_001347828.2); c.1336G>A, p.Val446Met (NM_001347830.2); short protein forms V433M, V446M, V458M.
Identifiers: ClinVar variation 1720693 (VCV001720693.6), dbSNP rs1377684828, ClinGen allele CA356892251.

ClinVar aggregate classification (germline): Uncertain significance (1 of 4 stars; one submission).

Conditions:
Gastrointestinal stromal tumor. Also called: Gastrointestinal stroma tumor; Gastrointestinal stromal tumor, somatic. Identifiers: Orphanet 44890, MedGen C0238198, MeSH D046152, MONDO:0011719, OMIM 606764, HP:0100723.

Allele frequency attached by ClinVar (database versions not stated): gnomAD exomes below 0.00001.
gnomAD v4.1: 2 of 1,613,944 alleles (0.00012%); highest among the groups gnomAD compares: Non-Finnish European, 0.00017%; no homozygotes.

Submission:

Labcorp Genetics (formerly Invitae), Labcorp
Classification: Uncertain significance for Gastrointestinal stromal tumor. Last evaluated: 2023-01-16. Review status: criteria provided, single submitter. Criteria: Invitae Variant Classification Sherloc (09022015). Collection method: clinical testing. Allele origin: germline.
Comment: Advanced modeling of protein sequence and biophysical properties (such as structural, functional, and spatial information, amino acid conservation, physicochemical variation, residue mobility, and thermodynamic stability) performed at Invitae indicates that this missense variant is not expected to disrupt PDGFRA protein function. This sequence change replaces valine, which is neutral and non-polar, with methionine, which is neutral and non-polar, at codon 433 of the PDGFRA protein (p.Val433Met). This variant is present in population databases (no rsID available, gnomAD 0.0009%). This variant has not been reported in the literature in individuals affected with PDGFRA-related conditions. ClinVar contains an entry for this variant (Variation ID: 1720693). In summary, the available evidence is currently insufficient to determine the role of this variant in disease. Therefore, it has been classified as a Variant of Uncertain Significance.